The following is an entry in ClinVar:

ClinVar aggregate classification (germline): Benign/Likely benign. Review status: criteria provided, multiple submitters, no conflicts (2 of 4 stars). 3 submissions from 3 submitters: Benign (1); Likely benign (2). Last evaluated 2024-09-24.

Conditions:
Familial melanoma. Also called: Hereditary melanoma; Hereditary cutaneous melanoma. Identifiers: Orphanet 618, MedGen C1512419, MONDO:0018961.
Hereditary cancer-predisposing syndrome. Also called: Hereditary Cancer Syndrome; Hereditary neoplastic syndrome; Neoplastic Syndromes, Hereditary; Tumor predisposition. Identifiers: Orphanet 140162, MedGen C0027672, MeSH D009386, MONDO:0015356.
Melanoma, cutaneous malignant, susceptibility to, 3. Also called: Cutaneous malignant melanoma 3. Identifiers: Orphanet 618, MedGen C1836892, MONDO:0012183, OMIM 609048.

Submissions (3):

Myriad Genetics, Inc.
Classification: Benign for Melanoma, cutaneous malignant, susceptibility to, 3. Last evaluated: 2024-09-24. Review status: criteria provided, single submitter. Criteria: Myriad Autosomal Dominant, Autosomal Recessive and X-Linked Classification Criteria (2023). Collection method: clinical testing. Allele origin: unknown.
Comment: This variant is considered benign. This variant is a silent/synonymous amino acid change and it is not expected to impact splicing.

Labcorp Genetics (formerly Invitae), Labcorp
Classification: Likely benign for Familial melanoma. Last evaluated: 2023-02-18. Review status: criteria provided, single submitter. Criteria: Invitae Variant Classification Sherloc (09022015). Collection method: clinical testing. Allele origin: germline.

Ambry Genetics
Classification: Likely benign for Hereditary cancer-predisposing syndrome. Last evaluated: 2022-07-11. Review status: criteria provided, single submitter. Criteria: Ambry Variant Classification Scheme 2023. Collection method: clinical testing. Allele origin: germline.

NM_000075.4(CDK4):c.54G>A (p.Gly18=)

Gene: CDK4 (cyclin dependent kinase 4; minus strand). Cytogenetic location: 12q14.1.
Variant type: single nucleotide variant.
Coding change: c.54G>A on transcript NM_000075.4 (MANE Select); coding-DNA position 54, G replaced by A.
Protein change: p.Gly18=; no amino-acid change (glycine 18 retained).
Molecular consequence: synonymous variant.
Genome position (GRCh38, 1-based): chr12:57,751,664, C>T on the plus strand (G>A on the coding strand, the complement: CDK4 is on the minus strand). VCF-style: chr12-57751664-C-T. GRCh37 (hg19) VCF-style: chr12-58145447-C-T.
Identifiers: ClinVar variation 1747956 (VCV001747956.8), dbSNP rs1955239409, ClinGen allele CA480404925.